The following is an entry in ClinVar:

NM_032043.3(BRIP1):c.2660A>G (p.Lys887Arg)

Gene: BRIP1 (BRCA1 interacting DNA helicase 1; minus strand). Cytogenetic location: 17q23.2.
Variant type: single nucleotide variant.
Coding change: c.2660A>G on transcript NM_032043.3 (MANE Select); coding-DNA position 2660, A replaced by G.
Protein change: p.Lys887Arg; replaces lysine 887 with arginine.
Molecular consequence: missense variant.
Genome position (GRCh38, 1-based): chr17:61,686,081, T>C on the plus strand (A>G on the coding strand, the complement: BRIP1 is on the minus strand). VCF-style: chr17-61686081-T-C. GRCh37 (hg19) VCF-style: chr17-59763442-T-C.
Other names: short protein forms K887R.
Identifiers: ClinVar variation 3825667 (VCV003825667.1).

ClinVar aggregate classification (germline): Uncertain significance (1 of 4 stars; one submission).

Conditions:
Hereditary cancer-predisposing syndrome. Also called: Hereditary neoplastic syndrome; Neoplastic Syndromes, Hereditary; Tumor predisposition; Hereditary Cancer Syndrome. Identifiers: Orphanet 140162, MedGen C0027672, MeSH D009386, MONDO:0015356.

Submission:

Ambry Genetics
Classification: Uncertain significance for Hereditary cancer-predisposing syndrome. Last evaluated: 2024-12-13. Review status: criteria provided, single submitter. Criteria: Ambry Variant Classification Scheme 2023. Collection method: clinical testing. Allele origin: germline.
Comment: The p.K887R variant (also known as c.2660A>G), located in coding exon 18 of the BRIP1 gene, results from an A to G substitution at nucleotide position 2660. The lysine at codon 887 is replaced by arginine, an amino acid with highly similar properties. This amino acid position is conserved. In addition, this alteration is predicted to be tolerated by in silico analysis. Based on the available evidence, the clinical significance of this variant remains unclear.